The following is an entry in ClinVar:

ClinVar aggregate classification (germline): Conflicting classifications of pathogenicity. Review status: criteria provided, conflicting classifications (1 of 4 stars). 11 submissions from 11 submitters: Uncertain significance (8); Likely benign (1). 2 of the submissions do not count toward it. Last evaluated 2025-10-08.

Conditions:
Glycine encephalopathy 1 (GCE1). Identifiers: MedGen CN376801, MONDO:0958179, OMIM 605899.
Glycine encephalopathy. Also called: Non-ketotic hyperglycinemia; Nonketotic hyperglycinemia. Identifiers: Orphanet 407, MedGen C0751748, MONDO:0011612, HP:0008288.
Inborn genetic diseases. Identifiers: MedGen C0950123, MeSH D030342.

Submissions (11):

Ambry Genetics
Classification: Uncertain significance for Inborn genetic diseases. Last evaluated: 2025-10-08. Review status: criteria provided, single submitter. Criteria: Ambry Variant Classification Scheme 2023. Collection method: clinical testing. Allele origin: germline.
Comment: The c.1484_1489delAACTGG (p.E495_L496del) alteration is located in exon 12 (coding exon 12) of the GLDC gene. This alteration consists of an in-frame deletion of 6 nucleotides between nucleotide positions c.1484 and c.1489, resulting in the deletion of 2 residues. Based on data from gnomAD, the ------ allele has an overall frequency of 0.002% (6/282832) total alleles studied. The highest observed frequency was 0.005% (6/129168) of European (non-Finnish) alleles. Based on insufficient or conflicting evidence, the clinical significance of this alteration remains unclear.

GeneDx
Classification: Uncertain significance. Last evaluated: 2024-12-16. Review status: criteria provided, single submitter. Criteria: GeneDx Variant Classification Process June 2021. Collection method: clinical testing. Allele origin: germline. Affected: yes.
Comment: Not observed at significant frequency in large population cohorts (gnomAD); In-frame deletion of 2 amino acids in a non-repeat region; In silico analysis supports a deleterious effect on protein structure/function; Has not been previously published as pathogenic or benign to our knowledge

Blueprint Genetics
Classification: Uncertain significance. Last evaluated: 2024-11-14. Review status: criteria provided, single submitter. Criteria: ACMG Guidelines, 2015. Collection method: clinical testing. Allele origin: germline.

Athena Diagnostics
Classification: Uncertain significance. Last evaluated: 2024-10-16. Review status: criteria provided, single submitter. Criteria: Athena Diagnostics Criteria. Collection method: clinical testing. Allele origin: unknown.

3billion
Classification: Likely benign for Glycine encephalopathy 1. Last evaluated: 2024-09-20. Review status: criteria provided, single submitter. Criteria: ACMG Guidelines, 2015. Collection method: clinical testing. Allele origin: germline. Affected: no.
Comment: The homozygous variant was found in patients diagnosed with another variant in a different gene, with no symptoms related to the gene containing the homozygous variant.

Genomic Medicine Center of Excellence, King Faisal Specialist Hospital and Research Centre
Classification: Uncertain significance for Glycine encephalopathy 1. Last evaluated: 2024-03-25. Review status: criteria provided, single submitter. Criteria: ACMG Guidelines, 2015. Collection method: clinical testing. Allele origin: germline.

Labcorp Genetics (formerly Invitae), Labcorp
Classification: Uncertain significance for Glycine encephalopathy. Last evaluated: 2022-11-01. Review status: criteria provided, single submitter. Criteria: Invitae Variant Classification Sherloc (09022015). Collection method: clinical testing. Allele origin: germline.
Comment: This variant, c.1484_1489del, results in the deletion of 2 amino acid(s) of the GLDC protein (p.Glu495_Leu496del), but otherwise preserves the integrity of the reading frame. This variant is present in population databases (rs778109389, gnomAD 0.005%). This variant has not been reported in the literature in individuals affected with GLDC-related conditions. ClinVar contains an entry for this variant (Variation ID: 550535). Experimental studies and prediction algorithms are not available or were not evaluated, and the functional significance of this variant is currently unknown. In summary, the available evidence is currently insufficient to determine the role of this variant in disease. Therefore, it has been classified as a Variant of Uncertain Significance.

Fulgent Genetics
Classification: Uncertain significance for Glycine encephalopathy 1. Last evaluated: 2022-05-17. Review status: criteria provided, single submitter. Criteria: ACMG Guidelines, 2015. Collection method: clinical testing. Allele origin: unknown.

Breakthrough Genomics
Classification: Uncertain significance. Review status: criteria provided, single submitter. Criteria: ACMG Guidelines, 2015. Collection method: not provided. Allele origin: germline. Inheritance: Autosomal recessive inheritance. Affected: yes.

Natera, Inc.
Classification: Uncertain significance for Non-ketotic hyperglycinemia. Last evaluated: 2020-01-17. Review status: no assertion criteria provided. Collection method: clinical testing. Allele origin: germline. Not counted in ClinVar's aggregate classification.

Counsyl
Classification: Uncertain significance for Glycine encephalopathy 1. Last evaluated: 2017-01-27. Review status: no assertion criteria provided. Collection method: clinical testing. Allele origin: unknown. Not counted in ClinVar's aggregate classification.

NM_000170.3(GLDC):c.1484_1489del

Gene: GLDC (glycine decarboxylase; minus strand). Cytogenetic location: 9p24.1.
Variant type: Deletion.
Coding change: c.1484_1489del on transcript NM_000170.3 (MANE Select); coding-DNA positions 1484 to 1489, 6 bases deleted (AACTGG; older notation c.1484_1489delAACTGG).
Molecular consequence: splice acceptor variant.
Genome position (GRCh38, 1-based): chr9:6,589,286-6,589,291, CCAGTT deleted on the plus strand (AACTGG on the coding strand, the reverse complement: GLDC is on the minus strand); deleting any 6 consecutive bases within chr9:6,589,286-6,589,293 gives the same sequence; the c. name uses the placement nearest the transcript's 3' end. VCF-style (leftmost placement, unchanged base first): chr9-6589285-ACCAGTT-A. GRCh37 (hg19) VCF-style: chr9-6589285-ACCAGTT-A.
Other names: c.1484_1489delAACTGG (NM_000170.2); c.1484_1489del (NM_000170.2).
Identifiers: ClinVar variation 550535 (VCV000550535.19), dbSNP rs778109389, ClinGen allele CA4980673.